The following is an entry in ClinVar:

ClinVar aggregate classification (germline): Uncertain significance (1 of 4 stars; one submission).

Conditions:
Rhabdoid tumor predisposition syndrome 2 (RTPS2). Identifiers: Orphanet 231108, Orphanet 69077, MedGen C2750074, MONDO:0013224, OMIM 613325.

Submission:

Labcorp Genetics (formerly Invitae), Labcorp
Classification: Uncertain significance for Rhabdoid tumor predisposition syndrome 2. Last evaluated: 2023-07-25. Review status: criteria provided, single submitter. Criteria: Invitae Variant Classification Sherloc (09022015). Collection method: clinical testing. Allele origin: germline.
Comment: Advanced modeling of protein sequence and biophysical properties (such as structural, functional, and spatial information, amino acid conservation, physicochemical variation, residue mobility, and thermodynamic stability) performed at Invitae indicates that this missense variant is not expected to disrupt SMARCA4 protein function. ClinVar contains an entry for this variant (Variation ID: 1443162). This variant has not been reported in the literature in individuals affected with SMARCA4-related conditions. This variant is not present in population databases (gnomAD no frequency). This sequence change replaces cysteine, which is neutral and slightly polar, with tyrosine, which is neutral and polar, at codon 1359 of the SMARCA4 protein (p.Cys1359Tyr). In summary, the available evidence is currently insufficient to determine the role of this variant in disease. Therefore, it has been classified as a Variant of Uncertain Significance.

NM_003072.5(SMARCA4):c.4076G>A (p.Cys1359Tyr)

Gene: SMARCA4 (SWI/SNF related BAF chromatin remodeling complex subunit ATPase 4; plus strand). Cytogenetic location: 19p13.2.
Variant type: single nucleotide variant.
Coding change: c.4076G>A on transcript NM_003072.5 (MANE Select); coding-DNA position 4076, G replaced by A.
Protein change: p.Cys1359Tyr; replaces cysteine 1359 with tyrosine.
Molecular consequence: missense variant. On other transcripts: non-coding transcript variant (1).
Genome position (GRCh38, 1-based): chr19:11,035,038, G>A. VCF-style: chr19-11035038-G-A. GRCh37 (hg19) VCF-style: chr19-11145714-G-A.
Other names: c.4076G>A, p.Cys1359Tyr (NM_001128844.3, NM_001128849.3, NM_001387283.1); c.3977G>A, p.Cys1326Tyr (NM_001128845.2, NM_001128846.2, NM_001128847.4 and 2 more transcripts); short protein forms C1326Y, C1359Y.
Identifiers: ClinVar variation 1443162 (VCV001443162.6), dbSNP rs2075182244, ClinGen allele CA404068260.
Genomic context (GRCh38, chr19:11,035,038, plus strand): 5'-AGGAGGACGAGCTCCCCTCGTGGATCATCAAGGACGACGCGGAGGTGGAGCGGCTGACCT[G>A]TGAGGAGGAGGAGGAGAAGATGTTCGGCCGTGGCTCCCGCCACCGCAAGGAGGTGGACTA-3'
Protein context (NP_003063.2, residues 1349-1369): KDDAEVERLT[Cys1359Tyr]EEEEEKMFGR